The following is an entry in ClinVar:

NM_015978.3(TNNI3K):c.2303A>G (p.Glu768Gly)

Genes: TNNI3K (TNNI3 interacting kinase; plus strand), FPGT-TNNI3K (FPGT-TNNI3K readthrough; plus strand), LRRC53 (leucine rich repeat containing 53; minus strand). Cytogenetic location: 1p31.1.
Variant type: single nucleotide variant.
Coding change: c.2303A>G on transcript NM_015978.3 (MANE Select); coding-DNA position 2303, A replaced by G.
Protein change: p.Glu768Gly; replaces glutamic acid 768 with glycine.
Molecular consequence: missense variant. On other transcripts: intron variant (2).
Genome position (GRCh38, 1-based): chr1:74,492,218, A>G. VCF-style: chr1-74492218-A-G. GRCh37 (hg19) VCF-style: chr1-74957902-A-G.
Other names: c.2606A>G, p.Glu869Gly (NM_001112808.3); c.-8-11250T>C (NM_001364666.2); c.-26-8843T>C (NM_001382280.1); short protein forms E768G, E869G.
Identifiers: ClinVar variation 2121790 (VCV002121790.4), dbSNP rs2524982336, ClinGen allele CA340799462.

ClinVar aggregate classification (germline): Uncertain significance (1 of 4 stars; one submission).

Submission:

Labcorp Genetics (formerly Invitae), Labcorp
Classification: Uncertain significance. Last evaluated: 2022-04-05. Review status: criteria provided, single submitter. Criteria: Invitae Variant Classification Sherloc (09022015). Collection method: clinical testing. Allele origin: germline.
Comment: This sequence change replaces glutamic acid, which is acidic and polar, with glycine, which is neutral and non-polar, at codon 768 of the TNNI3K protein (p.Glu768Gly). This variant is not present in population databases (gnomAD no frequency). This missense change has been observed in individual(s) with clinical features of TNNI3K-related conditions (Invitae). Algorithms developed to predict the effect of missense changes on protein structure and function (SIFT, PolyPhen-2, Align-GVGD) all suggest that this variant is likely to be disruptive. This variant disrupts the p.Glu768 amino acid residue in TNNI3K. Other variant(s) that disrupt this residue have been determined to be pathogenic (PMID: 30010057). This suggests that this residue is clinically significant, and that variants that disrupt this residue are likely to be disease-causing. In summary, the available evidence is currently insufficient to determine the role of this variant in disease. Therefore, it has been classified as a Variant of Uncertain Significance.

Literature cited by the submitters: PubMed 30010057.